The following is an entry in ClinVar:

NM_000051.4(ATM):c.639_640del (p.Ser214fs)

Gene: ATM (ATM serine/threonine kinase; plus strand). Cytogenetic location: 11q22.3.
Variant type: Deletion.
Coding change: c.639_640del on transcript NM_000051.4 (MANE Select); coding-DNA positions 639 to 640, 2 bases deleted (TT; older notation c.639_640delTT).
Protein change: p.Ser214fs; shifts the reading frame from serine 214.
Molecular consequence: frameshift variant.
Genome position (GRCh38, 1-based): chr11:108,244,095-108,244,096, TT deleted; deleting any 2 consecutive bases within chr11:108,244,090-108,244,096 gives the same sequence; the c. name uses the placement nearest the transcript's 3' end. VCF-style (leftmost placement, unchanged base first): chr11-108244089-CTT-C. GRCh37 (hg19) VCF-style: chr11-108114816-CTT-C.
Other names: c.639_640del, p.Ser214fs (NM_001351834.2); short protein forms S214fs.
Identifiers: ClinVar variation 3148289 (VCV003148289.2), dbSNP rs786204543, ClinGen allele CA2825001755.

ClinVar aggregate classification (germline): Pathogenic. Review status: criteria provided, multiple submitters, no conflicts (2 of 4 stars). 2 submissions from 2 submitters: Pathogenic (2). Last evaluated 2026-03-18.

Conditions:
Hereditary cancer-predisposing syndrome. Also called: Tumor predisposition; Hereditary neoplastic syndrome; Neoplastic Syndromes, Hereditary; Hereditary Cancer Syndrome. Identifiers: Orphanet 140162, MedGen C0027672, MeSH D009386, MONDO:0015356.
Familial cancer of breast. Also called: BREAST CANCER, FAMILIAL; Hereditary breast cancer; hereditary breast carcinoma. Identifiers: Orphanet 227535, MedGen C0346153, MONDO:0016419, OMIM 114480. Disease mechanism: loss of function.

Submissions (2):

Ambry Genetics
Classification: Pathogenic for Hereditary cancer-predisposing syndrome. Last evaluated: 2026-03-18. Review status: criteria provided, single submitter. Criteria: Ambry Variant Classification Scheme 2023. Collection method: clinical testing. Allele origin: germline.
Comment: The c.639_640delTT pathogenic mutation, located in coding exon 5 of the ATM gene, results from a deletion of two nucleotides at nucleotide positions 639 to 640, causing a translational frameshift with a predicted alternate stop codon (p.S214Qfs*39). This variant is considered to be rare based on population cohorts in the Genome Aggregation Database (gnomAD). This variant is expected to result in loss of function by premature protein truncation or nonsense-mediated mRNA decay. As such, this variant is interpreted as a disease-causing mutation.

Myriad Genetics, Inc.
Classification: Pathogenic for Familial cancer of breast. Last evaluated: 2024-01-09. Review status: criteria provided, single submitter. Criteria: Myriad Autosomal Dominant, Autosomal Recessive and X-Linked Classification Criteria (2023). Collection method: clinical testing. Allele origin: unknown.
Comment: This variant is considered pathogenic. This variant creates a frameshift predicted to result in premature protein truncation.